The following is an entry in ClinVar:

NM_005591.4(MRE11):c.2035C>T (p.Gln679Ter)

Gene: MRE11 (MRE11 double strand break repair nuclease; minus strand). Cytogenetic location: 11q21.
Variant type: single nucleotide variant.
Coding change: c.2035C>T on transcript NM_005591.4 (MANE Select); coding-DNA position 2035, C replaced by T.
Protein change: p.Gln679Ter; replaces glutamine 679 with a stop codon.
Molecular consequence: nonsense.
Genome position (GRCh38, 1-based): chr11:94,429,946, G>A on the plus strand (C>T on the coding strand, the complement: MRE11 is on the minus strand). VCF-style: chr11-94429946-G-A. GRCh37 (hg19) VCF-style: chr11-94163112-G-A.
Other names: c.2032C>T, p.Gln678Ter (NM_001330347.2); c.1951C>T, p.Gln651Ter (NM_005590.4); short protein forms Q651*, Q678*, Q679*.
Identifiers: ClinVar variation 1799793 (VCV001799793.3), dbSNP rs1332059826, ClinGen allele CA382373498.

ClinVar aggregate classification (germline): Uncertain significance. Review status: criteria provided, multiple submitters, no conflicts (2 of 4 stars). 2 submissions from 2 submitters: Uncertain significance (2). Last evaluated 2022-01-27.

Conditions:
Hereditary cancer-predisposing syndrome. Also called: Neoplastic Syndromes, Hereditary; Tumor predisposition; Hereditary Cancer Syndrome; Hereditary neoplastic syndrome. Identifiers: Orphanet 140162, MedGen C0027672, MeSH D009386, MONDO:0015356.
Ataxia-telangiectasia-like disorder 1 (ATLD1). Identifiers: Orphanet 251347, MedGen C4012790, MONDO:0024557, OMIM 604391.

Submissions (2):

Ambry Genetics
Classification: Uncertain significance for Hereditary cancer-predisposing syndrome. Last evaluated: 2022-01-27. Review status: criteria provided, single submitter. Criteria: Ambry Variant Classification Scheme 2023. Collection method: clinical testing. Allele origin: germline.
Comment: The p.Q679* variant (also known as c.2035C>T), located in coding exon 18 of the MRE11A gene, results from a C to T substitution at nucleotide position 2035. This changes the amino acid from a glutamine to a stop codon within coding exon 18. This alteration occurs at the 3' terminus of theMRE11A gene, is not expected to trigger nonsense-mediated mRNAdecay, and only impacts the last 30 amino acids of the protein. The exact functional effect of this alteration is unknown. Since supporting evidence is limited at this time, the clinical significance of this alteration remains unclear.

Baylor Genetics
Classification: Uncertain significance for Ataxia-telangiectasia-like disorder 1. Last evaluated: 2020-12-23. Review status: criteria provided, single submitter. Criteria: ACMG Guidelines, 2015. Collection method: clinical testing. Allele origin: unknown.